The following is an entry in ClinVar:

NM_015100.4(POGZ):c.1489C>T (p.Pro497Ser)

Gene: POGZ (pogo transposable element derived with ZNF domain; minus strand). Cytogenetic location: 1q21.3.
Variant type: single nucleotide variant.
Coding change: c.1489C>T on transcript NM_015100.4 (MANE Select); coding-DNA position 1489, C replaced by T.
Protein change: p.Pro497Ser; replaces proline 497 with serine.
Molecular consequence: missense variant.
Genome position (GRCh38, 1-based): chr1:151,423,983, G>A on the plus strand (C>T on the coding strand, the complement: POGZ is on the minus strand). VCF-style: chr1-151423983-G-A. GRCh37 (hg19) VCF-style: chr1-151396459-G-A.
Other names: c.1462C>T, p.Pro488Ser (NM_001194937.2); c.1303C>T, p.Pro435Ser (NM_001194938.2); c.1510C>T, p.Pro504Ser (NM_001410860.1); c.1204C>T, p.Pro402Ser (NM_145796.4); c.1330C>T, p.Pro444Ser (NM_207171.2); short protein forms P402S, P435S, P444S, P488S, P497S, P504S.
Identifiers: ClinVar variation 4881761 (VCV004881761.2).

ClinVar aggregate classification (germline): Uncertain significance (1 of 4 stars; one submission).

Submission:

Dasa
Classification: Uncertain significance. Last evaluated: 2025-10-10. Review status: criteria provided, single submitter. Criteria: DASA Assertion Criteria. Collection method: clinical testing. Allele origin: germline.
Comment: NM_015100.4(POGZ):c.1489C>T (p.Pro497Ser) is a missense variant that results in the substitution of proline with serine. This variant is rare in population databases. The currently available literature and clinical evidence are not sufficient to establish a definitive association between this variant and the reported condition. Therefore, this variant is classified as a variant of uncertain significance.